The following is an entry in ClinVar:

NM_004415.4(DSP):c.6892A>G (p.Thr2298Ala)

Gene: DSP (desmoplakin; plus strand). Cytogenetic location: 6p24.3.
Variant type: single nucleotide variant.
Coding change: c.6892A>G on transcript NM_004415.4 (MANE Select); coding-DNA position 6892, A replaced by G.
Protein change: p.Thr2298Ala; replaces threonine 2298 with alanine.
Molecular consequence: missense variant.
Genome position (GRCh38, 1-based): chr6:7,584,154, A>G. VCF-style: chr6-7584154-A-G. GRCh37 (hg19) VCF-style: chr6-7584387-A-G.
Other names: c.5095A>G, p.Thr1699Ala (NM_001008844.3); c.5563A>G, p.Thr1855Ala (NM_001319034.2); short protein forms T1855A, T2298A, T1699A.
Identifiers: ClinVar variation 925831 (VCV000925831.5), dbSNP rs1759550667, ClinGen allele CA362691782.
Genomic context (GRCh38, chr6:7,584,154, plus strand): 5'-ATGAAAATTGGCTTAGTCCGACCTGGTACTGCTCTGGAGTTGCTGGAAGCCCAAGCAGCT[A>G]CTGGCTTTATAGTGGATCCTGTTAGCAACTTGAGGTTACCAGTGGAGGAAGCCTACAAGA-3'
Protein context (NP_004406.2, residues 2288-2308): ALELLEAQAA[Thr2298Ala]GFIVDPVSNL

ClinVar aggregate classification (germline): Uncertain significance (1 of 4 stars; one submission).

Conditions:
Cardiomyopathy (CMYO). Also called: Cardiomyopathies. Identifiers: Orphanet 167848, MedGen C0878544, MONDO:0004994, HP:0001638. Inheritance: Various modes of inheritance.

Submission:

Color Diagnostics, LLC DBA Color Health
Classification: Uncertain significance for Cardiomyopathy. Last evaluated: 2023-12-05. Review status: criteria provided, single submitter. Criteria: ACMG Guidelines, 2015. Collection method: clinical testing. Allele origin: germline.
Comment: This missense variant replaces threonine with alanine at codon 2298 of the DSP protein. Computational prediction tools and conservation analyses suggest that this variant may have deleterious impact on protein function. Computational splicing tools suggest that this variant may not impact RNA splicing. To our knowledge, functional assays have not been performed for this variant nor has this variant been reported in individuals affected with cardiovascular disorders in the literature. This variant has not been identified in the general population by the Genome Aggregation Database (gnomAD). Available evidence is insufficient to determine the role of this variant in disease conclusively. Therefore, this variant is classified as a Variant of Uncertain Significance.